The following is an entry in ClinVar:

NM_001040105.2(MUC17):c.12436C>A (p.Arg4146Ser)

Gene: MUC17 (mucin 17, cell surface associated; plus strand). Cytogenetic location: 7q22.1.
Variant type: single nucleotide variant.
Coding change: c.12436C>A on transcript NM_001040105.2 (MANE Select); coding-DNA position 12436, C replaced by A.
Protein change: p.Arg4146Ser; replaces arginine 4146 with serine.
Molecular consequence: missense variant. On other transcripts: non-coding transcript variant (1).
Genome position (GRCh38, 1-based): chr7:101,048,016, C>A. VCF-style: chr7-101048016-C-A. GRCh37 (hg19) VCF-style: chr7-100691297-C-A.
Other names: short protein forms R4146S.
Identifiers: ClinVar variation 4860462 (VCV004860462.1).

ClinVar aggregate classification (germline): Uncertain significance (1 of 4 stars; one submission).

gnomAD v4.1: 56 of 1,605,462 alleles (0.0035%); highest among the groups gnomAD compares: Non-Finnish European, 0.0047%; no homozygotes.

Submission:

Ambry Genetics
Classification: Uncertain significance. Last evaluated: 2026-04-15. Review status: criteria provided, single submitter. Criteria: Ambry Variant Classification Scheme 2023. Collection method: clinical testing. Allele origin: germline.
Comment: The c.12436C>A (p.R4146S) alteration is located in exon 4 (coding exon 4) of the MUC17 gene. This alteration results from a C to A substitution at nucleotide position 12436, causing the arginine (R) at amino acid position 4146 to be replaced by a serine (S). Based on data from gnomAD, the A allele has an overall frequency of 0.005% (13/243128) total alleles studied. The highest observed frequency was 0.012% (13/111244) of European (non-Finnish) alleles. Based on insufficient or conflicting evidence, the clinical significance of this alteration remains unclear.